The following is an entry in ClinVar:

ClinVar aggregate classification (germline): Likely benign (0 of 4 stars; one submission).

Conditions:
KDM3A-related disorder. Also called: KDM3A-related condition.

Allele frequency attached by ClinVar (database versions not stated): gnomAD 0.00001; TOPMed 0.00001; ExAC 0.00003; gnomAD exomes 0.00003.
gnomAD v4.1: 48 of 1,557,406 alleles (0.0031%); highest among the groups gnomAD compares: Middle Eastern, 0.017%; no homozygotes.

Submission:

PreventionGenetics, part of Exact Sciences
Classification: Likely benign for KDM3A-related condition. Last evaluated: 2019-02-22. Review status: no assertion criteria provided. Collection method: clinical testing. Allele origin: germline.
Comment: This variant is classified as likely benign based on ACMG/AMP sequence variant interpretation guidelines (Richards et al. 2015 PMID: 25741868, with internal and published modifications).

NM_018433.6(KDM3A):c.456T>C (p.Asp152=)

Gene: KDM3A (lysine demethylase 3A; plus strand). Cytogenetic location: 2p11.2.
Variant type: single nucleotide variant.
Coding change: c.456T>C on transcript NM_018433.6 (MANE Select); coding-DNA position 456, T replaced by C.
Protein change: p.Asp152=; no amino-acid change (aspartic acid 152 retained).
Molecular consequence: synonymous variant.
Genome position (GRCh38, 1-based): chr2:86,455,087, T>C. VCF-style: chr2-86455087-T-C. GRCh37 (hg19) VCF-style: chr2-86682210-T-C.
Other names: c.456T>C, p.Asp152= (NM_001146688.2).
Identifiers: ClinVar variation 3045202 (VCV003045202.2), dbSNP rs768583500, ClinGen allele CA1749062.